The following is an entry in ClinVar:

NM_014712.3(SETD1A):c.4186T>C (p.Ser1396Pro)

Gene: SETD1A (SET domain containing 1A, histone lysine methyltransferase; plus strand). Cytogenetic location: 16p11.2.
Variant type: single nucleotide variant.
Coding change: c.4186T>C on transcript NM_014712.3 (MANE Select); coding-DNA position 4186, T replaced by C.
Protein change: p.Ser1396Pro; replaces serine 1396 with proline.
Molecular consequence: missense variant.
Genome position (GRCh38, 1-based): chr16:30,979,972, T>C. VCF-style: chr16-30979972-T-C. GRCh37 (hg19) VCF-style: chr16-30991293-T-C.
Other names: short protein forms S1396P.
Identifiers: ClinVar variation 3336428 (VCV003336428.1).
Genomic context (GRCh38, chr16:30,979,972, plus strand): 5'-TCCTCTGACAGCAGCAGCAGCAGCGATGGGGAGGGCGCCCTCCGGAGGCGCAGCCTCCGC[T>C]CCCACGCCCGGCGCCGCCGCCCTCCGCCCCCACCCCCGCCGCCACCGCCCCGCGCCTACG-3'
Protein context (NP_055527.1, residues 1386-1406): EGALRRRSLR[Ser1396Pro]HARRRRPPPP

ClinVar aggregate classification (germline): Likely benign (1 of 4 stars; one submission).

gnomAD v4.1: 20 of 1,517,116 alleles (0.0013%); highest among the groups gnomAD compares: Non-Finnish European, 0.00097%; no homozygotes.

Submission:

Women's Health and Genetics/Laboratory Corporation of America, LabCorp
Classification: Likely benign. Last evaluated: 2024-05-22. Review status: criteria provided, single submitter. Criteria: LabCorp Variant Classification Summary - May 2015. Collection method: clinical testing. Allele origin: germline.
Comment: Variant summary: SETD1A c.4186T>C (p.Ser1396Pro) results in a non-conservative amino acid change in the encoded protein sequence. Three of five in-silico tools predict a damaging effect of the variant on protein function. The variant allele was found at a frequency of 1.3e-05 in 1511920 control chromosomes (i.e. in 20 carriers) in the gnomAD database (v4.1 dataset). The occurrence in several carriers suggests that this variant is likely not associated with a high penetrance, severe, early disease onset phenotype in heterozygous state. To our knowledge, no occurrence of c.4186T>C in individuals affected with Neurodevelopmental Disorder With Speech Impairment And Dysmorphic Facies and no experimental evidence demonstrating its impact on protein function have been reported. No submitters have cited clinical-significance assessments for this variant to ClinVar. Based on the evidence outlined above, the variant was classified as likely benign.